The following is an entry in ClinVar:

ClinVar aggregate classification (germline): Benign. Review status: criteria provided, multiple submitters, no conflicts (2 of 4 stars). 2 submissions from 2 submitters: Benign (2). Last evaluated 2018-06-18.

Allele frequency attached by ClinVar (database versions not stated): gnomAD 0.11717 and 0.11735; TOPMed 0.12867; 1000 Genomes Project 0.15276; 1000 Genomes Project 30x 0.15553.
gnomAD v4.1: 17,698 of 152,028 alleles (12%); highest among the groups gnomAD compares: African/African-American, 26%; 1,819 homozygotes.

Submissions (2):

GeneDx
Classification: Benign. Last evaluated: 2018-06-18. Review status: criteria provided, single submitter. Criteria: GeneDx Variant Classification (06012015). Collection method: clinical testing. Allele origin: germline. Affected: yes.
Comment: This variant is considered likely benign or benign based on one or more of the following criteria: it is a conservative change, it occurs at a poorly conserved position in the protein, it is predicted to be benign by multiple in silico algorithms, and/or has population frequency not consistent with disease.

Breakthrough Genomics
Classification: Benign. Review status: criteria provided, single submitter. Criteria: ACMG Guidelines, 2015. Collection method: not provided. Allele origin: germline. Inheritance: Autosomal recessive inheritance. Affected: yes.

NM_001267550.2(TTN):c.86821+156T>C

Genes: TTN (titin; minus strand), TTN-AS1 (TTN antisense RNA 1; plus strand). Cytogenetic location: 2q31.2.
Variant type: single nucleotide variant.
Coding change: c.86821+156T>C on transcript NM_001267550.2 (MANE Select); 156 bases into the intron after coding-DNA position 86821, T replaced by C.
Molecular consequence: intron variant.
Genome position (GRCh38, 1-based): chr2:178,559,155, A>G on the plus strand (T>C on the coding strand, the complement: TTN is on the minus strand). VCF-style: chr2-178559155-A-G. GRCh37 (hg19) VCF-style: chr2-179423882-A-G.
Other names: c.59626+156T>C (NM_003319.4); c.60202+156T>C (NM_133437.4); c.60001+156T>C (NM_133432.3); c.79117+156T>C (NM_133378.4); c.81898+156T>C (NM_001256850.1).
Identifiers: ClinVar variation 672661 (VCV000672661.2), dbSNP rs28653157, ClinGen allele CA11260878.